The following is an entry in ClinVar:

NM_017780.4(CHD7):c.3989+7A>G

Gene: CHD7 (chromodomain helicase DNA binding protein 7; plus strand). Cytogenetic location: 8q12.2.
Variant type: single nucleotide variant.
Coding change: c.3989+7A>G on transcript NM_017780.4 (MANE Select); 7 bases into the intron after coding-DNA position 3989, A replaced by G.
Molecular consequence: intron variant.
Genome position (GRCh38, 1-based): chr8:60,836,290, A>G. VCF-style: chr8-60836290-A-G. GRCh37 (hg19) VCF-style: chr8-61748849-A-G.
Other names: c.1717-25939A>G (NM_001316690.1).
Identifiers: ClinVar variation 700536 (VCV000700536.13), dbSNP rs757622396, ClinGen allele CA4760048.

ClinVar aggregate classification (germline): Likely benign. Review status: criteria provided, multiple submitters, no conflicts (2 of 4 stars). 3 submissions from 3 submitters: Likely benign (2). 1 of the submissions does not count toward it. Last evaluated 2023-07-07.

Conditions:
CHD7-related disorder. Also called: CHD7-related condition.
CHARGE syndrome (CHARGE). Also called: Hittner Hirsch Kreh syndrome; CHARGE ASSOCIATION--COLOBOMA, HEART ANOMALY, CHOANAL ATRESIA, RETARDATION, GENITAL AND EAR ANOMALIES; Coloboma, heart anomaly, choanal atresia, retardation, genital and ear anomalies; CHARGE association; Hall-Hittner syndrome. Identifiers: Orphanet 138, MedGen C0265354, MONDO:0008965.

Allele frequency attached by ClinVar (database versions not stated): gnomAD 0.00002; TOPMed 0.00002; gnomAD exomes 0.00004; ExAC 0.00008.
gnomAD v4.1: 41 of 1,611,386 alleles (0.0025%); highest among the groups gnomAD compares: Non-Finnish European, 0.0031%; no homozygotes.

Submissions (3):

Labcorp Genetics (formerly Invitae), Labcorp
Classification: Likely benign for CHARGE syndrome. Last evaluated: 2023-07-07. Review status: criteria provided, single submitter. Criteria: Invitae Variant Classification Sherloc (09022015). Collection method: clinical testing. Allele origin: germline.

Blueprint Genetics
Classification: Likely benign. Last evaluated: 2020-03-30. Review status: criteria provided, single submitter. Criteria: ACMG Guidelines, 2015. Collection method: clinical testing. Allele origin: germline.

PreventionGenetics, part of Exact Sciences
Classification: Likely benign for CHD7-related condition. Last evaluated: 2021-10-08. Review status: no assertion criteria provided. Collection method: clinical testing. Allele origin: germline. Not counted in ClinVar's aggregate classification.
Comment: This variant is classified as likely benign based on ACMG/AMP sequence variant interpretation guidelines (Richards et al. 2015 PMID: 25741868, with internal and published modifications).